The following is an entry in ClinVar:

NM_016604.4(KDM3B):c.2845C>T (p.Arg949Ter)

Gene: KDM3B (lysine demethylase 3B; plus strand). Cytogenetic location: 5q31.2.
Variant type: single nucleotide variant.
Coding change: c.2845C>T on transcript NM_016604.4 (MANE Select); coding-DNA position 2845, C replaced by T.
Protein change: p.Arg949Ter; replaces arginine 949 with a stop codon.
Molecular consequence: nonsense.
Genome position (GRCh38, 1-based): chr5:138,398,191, C>T. VCF-style: chr5-138398191-C-T. GRCh37 (hg19) VCF-style: chr5-137733880-C-T.
Other names: short protein forms R949*.
Identifiers: ClinVar variation 3378038 (VCV003378038.2).

ClinVar aggregate classification (germline): Pathogenic (1 of 4 stars; one submission).

Submission:

GeneDx
Classification: Pathogenic. Last evaluated: 2025-11-12. Review status: criteria provided, single submitter. Criteria: GeneDx Variant Classification Process June 2021. Collection method: clinical testing. Allele origin: germline. Affected: yes.
Comment: Nonsense variant predicted to result in protein truncation or nonsense mediated decay in a gene for which loss of function is a known mechanism of disease; Not observed at significant frequency in large population cohorts (gnomAD); Has not been previously published as pathogenic or benign to our knowledge